The following is an entry in ClinVar:

NM_014795.4(ZEB2):c.753C>T (p.Ala251=)

Gene: ZEB2 (zinc finger E-box binding homeobox 2; minus strand). Cytogenetic location: 2q22.3.
Variant type: single nucleotide variant.
Coding change: c.753C>T on transcript NM_014795.4 (MANE Select); coding-DNA position 753, C replaced by T.
Protein change: p.Ala251=; no amino-acid change (alanine 251 retained).
Molecular consequence: synonymous variant.
Genome position (GRCh38, 1-based): chr2:144,403,970, G>A on the plus strand (C>T on the coding strand, the complement: ZEB2 is on the minus strand). VCF-style: chr2-144403970-G-A. GRCh37 (hg19) VCF-style: chr2-145161537-G-A.
Other names: c.681C>T, p.Ala227= (NM_001171653.2).
Identifiers: ClinVar variation 2582982 (VCV002582982.25), dbSNP rs2549109295, ClinGen allele CA429218489.

ClinVar aggregate classification (germline): Uncertain significance (1 of 4 stars; one submission).

Submission:

CeGaT Center for Human Genetics Tuebingen
Classification: Uncertain significance. Last evaluated: 2023-09-01. Review status: criteria provided, single submitter. Criteria: CeGaT Center For Human Genetics Tuebingen Variant Classification Criteria Version 2. Collection method: clinical testing. Allele origin: germline. Affected: yes. Observed: 1 variant allele.
Comment: ZEB2: PM2:Supporting, BP4